The following is an entry in ClinVar:

ClinVar aggregate classification (germline): Pathogenic (1 of 4 stars; one submission).

Conditions:
Charlevoix-Saguenay spastic ataxia (SACS). Also called: SPASTIC ATAXIA 6, AUTOSOMAL RECESSIVE; AUTOSOMAL RECESSIVE SPASTIC ATAXIA OF CHARLEVOIX-SAGUENAY; Spastic ataxia of Charlevoix-Saguenay. Identifiers: Orphanet 98, MedGen C1849140, MONDO:0010041, OMIM 270550.

Submission:

Myriad Genetics, Inc.
Classification: Pathogenic for Charlevoix-Saguenay spastic ataxia. Last evaluated: 2025-08-04. Review status: criteria provided, single submitter. Criteria: Myriad Autosomal Dominant, Autosomal Recessive and X-Linked Classification Criteria (2023). Collection method: clinical testing. Allele origin: unknown.
Comment: NM_014363.4(SACS):c.12619_12631del13(V4207Kfs*11) is a frameshift variant classified as pathogenic in the context of autosomal recessive spastic ataxia of Charlevoix-Saguenay. V4207Kfs*11 has not been observed in cases with relevant disease. Relevant functional assessments of this variant are not available in the literature. V4207Kfs*11 has not been observed in referenced population frequency databases. In summary, NM_014363.4(SACS):c.12619_12631del13(V4207Kfs*11) is a frameshift variant in a gene where loss of function is a known mechanism of disease and is predicted to disrupt protein function. Please note: this variant was assessed in the context of healthy population screening.

NM_014363.6(SACS):c.12619_12631del (p.Val4207fs)

Gene: SACS (sacsin molecular chaperone; minus strand). Cytogenetic location: 13q12.12.
Variant type: Deletion.
Coding change: c.12619_12631del on transcript NM_014363.6 (MANE Select); coding-DNA positions 12619 to 12631, 13 bases deleted (GTACAAGAAGTTG).
Protein change: p.Val4207fs; shifts the reading frame from valine 4207.
Molecular consequence: frameshift variant.
Genome position (GRCh38, 1-based): chr13:23,331,245-23,331,257, CAACTTCTTGTAC deleted on the plus strand (GTACAAGAAGTTG on the coding strand, the reverse complement: SACS is on the minus strand). VCF-style (leftmost placement, unchanged base first): chr13-23331244-TCAACTTCTTGTAC-T. GRCh37 (hg19) VCF-style: chr13-23905383-TCAACTTCTTGTAC-T.
Other names: c.12178_12190del, p.Val4060fs (NM_001278055.2); c.12646_12658del, p.Val4216fs (NM_001437336.1); short protein forms V4060fs, V4207fs, V4216fs.
Identifiers: ClinVar variation 5004102 (VCV005004102.1).